The following is an entry in ClinVar:

ClinVar aggregate classification (germline): Uncertain significance (1 of 4 stars; one submission).

gnomAD v4.1: 4 of 1,612,120 alleles (0.00025%); highest among the groups gnomAD compares: Non-Finnish European, 0.00034%; no homozygotes.

Submission:

Labcorp Genetics (formerly Invitae), Labcorp
Classification: Uncertain significance. Last evaluated: 2025-10-01. Review status: criteria provided, single submitter. Criteria: Invitae Variant Classification Sherloc (09022015). Collection method: clinical testing. Allele origin: germline.
Comment: This sequence change replaces valine, which is neutral and non-polar, with glycine, which is neutral and non-polar, at codon 280 of the LEPR protein (p.Val280Gly). This variant is present in population databases (rs769755646, gnomAD 0.002%). This variant has not been reported in the literature in individuals affected with LEPR-related conditions. Invitae Evidence Modeling of protein sequence and biophysical properties (such as structural, functional, and spatial information, amino acid conservation, physicochemical variation, residue mobility, and thermodynamic stability) indicates that this missense variant is not expected to disrupt LEPR protein function with a negative predictive value of 80%. In summary, the available evidence is currently insufficient to determine the role of this variant in disease. Therefore, it has been classified as a Variant of Uncertain Significance.

NM_002303.6(LEPR):c.839T>G (p.Val280Gly)

Gene: LEPR (leptin receptor; plus strand). Cytogenetic location: 1p31.3.
Variant type: single nucleotide variant.
Coding change: c.839T>G on transcript NM_002303.6 (MANE Select); coding-DNA position 839, T replaced by G.
Protein change: p.Val280Gly; replaces valine 280 with glycine.
Molecular consequence: missense variant.
Genome position (GRCh38, 1-based): chr1:65,596,583, T>G. VCF-style: chr1-65596583-T-G. GRCh37 (hg19) VCF-style: chr1-66062266-T-G.
Other names: c.839T>G, p.Val280Gly (NM_001003679.3, NM_001003680.3, NM_001198687.2 and 2 more transcripts); short protein forms V280G.
Identifiers: ClinVar variation 4700850 (VCV004700850.1).